The following is an entry in ClinVar:

NM_032620.4(GTPBP3):c.1166A>C (p.Asp389Ala)

Gene: GTPBP3 (GTP binding protein 3, mitochondrial; plus strand). Cytogenetic location: 19p13.11.
Variant type: single nucleotide variant.
Coding change: c.1166A>C on transcript NM_032620.4 (MANE Select); coding-DNA position 1166, A replaced by C.
Protein change: p.Asp389Ala; replaces aspartic acid 389 with alanine.
Molecular consequence: missense variant.
Genome position (GRCh38, 1-based): chr19:17,341,235, A>C. VCF-style: chr19-17341235-A-C. GRCh37 (hg19) VCF-style: chr19-17452044-A-C.
Other names: c.1103A>C, p.Asp368Ala (NM_001128855.3); c.1232A>C, p.Asp411Ala (NM_001195422.1); c.1262A>C, p.Asp421Ala (NM_133644.4); short protein forms D368A, D421A, D389A, D411A.
Identifiers: ClinVar variation 2104250 (VCV002104250.4), dbSNP rs1599562782, ClinGen allele CA404738934.

ClinVar aggregate classification (germline): Uncertain significance (1 of 4 stars; one submission).

Allele frequency attached by ClinVar (database versions not stated): gnomAD exomes below 0.00001.
gnomAD v4.1: 2 of 1,606,744 alleles (0.00012%); highest among the groups gnomAD compares: Non-Finnish European, 0.00017%; no homozygotes.

Submission:

Labcorp Genetics (formerly Invitae), Labcorp
Classification: Uncertain significance. Last evaluated: 2022-02-28. Review status: criteria provided, single submitter. Criteria: Invitae Variant Classification Sherloc (09022015). Collection method: clinical testing. Allele origin: germline.
Comment: In summary, the available evidence is currently insufficient to determine the role of this variant in disease. Therefore, it has been classified as a Variant of Uncertain Significance. Algorithms developed to predict the effect of missense changes on protein structure and function output the following: SIFT: "Tolerated"; PolyPhen-2: "Benign"; Align-GVGD: "Class C0". The alanine amino acid residue is found in multiple mammalian species, which suggests that this missense change does not adversely affect protein function. This variant has not been reported in the literature in individuals affected with GTPBP3-related conditions. This variant is not present in population databases (gnomAD no frequency). This sequence change replaces aspartic acid, which is acidic and polar, with alanine, which is neutral and non-polar, at codon 421 of the GTPBP3 protein (p.Asp421Ala).